The following is an entry in ClinVar:

NM_014336.5(AIPL1):c.488_498del (p.Gln163fs)

Gene: AIPL1 (AIP like 1 HSP90 co-chaperone; minus strand). Cytogenetic location: 17p13.2.
Variant type: Deletion.
Coding change: c.488_498del on transcript NM_014336.5 (MANE Select); coding-DNA positions 488 to 498, 11 bases deleted (AGAGGGAGACC).
Protein change: p.Gln163fs; shifts the reading frame from glutamine 163.
Molecular consequence: frameshift variant. On other transcripts: splice acceptor variant (1).
Genome position (GRCh38, 1-based): chr17:6,427,025-6,427,035, GGTCTCCCTCT deleted on the plus strand (AGAGGGAGACC on the coding strand, the reverse complement: AIPL1 is on the minus strand); deleting any 11 consecutive bases within chr17:6,427,025-6,427,038 gives the same sequence; the c. name uses the placement nearest the transcript's 3' end. VCF-style (leftmost placement, unchanged base first): chr17-6427024-AGGTCTCCCTCT-A. GRCh37 (hg19) VCF-style: chr17-6330344-AGGTCTCCCTCT-A.
Other names: c.299_309del, p.Gln100fs (NM_001033054.3); c.308_318del, p.Gln103fs (NM_001033055.3); c.452_462del, p.Gln151fs (NM_001285399.3); c.422_432del, p.Gln141fs (NM_001285400.3); c.488_498del, p.Gln163fs (NM_001285401.3); c.371_381del, p.Gln124fs (NM_001285402.2); c.466-2_474del (NM_001285403.4); short protein forms Q100fs, Q103fs, Q141fs, Q163fs, Q151fs, Q124fs.
Identifiers: ClinVar variation 1398909 (VCV001398909.6), dbSNP rs2150678060, ClinGen allele CA2573154472.

ClinVar aggregate classification (germline): Pathogenic (1 of 4 stars; one submission).

Conditions:
Leber congenital amaurosis 4 (LCA4). Identifiers: MedGen C1858386, MONDO:0011458, OMIM 604393.

Submission:

Labcorp Genetics (formerly Invitae), Labcorp
Classification: Pathogenic for Leber congenital amaurosis 4. Last evaluated: 2021-01-20. Review status: criteria provided, single submitter. Criteria: Invitae Variant Classification Sherloc (09022015). Collection method: clinical testing. Allele origin: germline.
Comment: This sequence change creates a premature translational stop signal (p.Gln163Leufs*7) in the AIPL1 gene. It is expected to result in an absent or disrupted protein product. Loss-of-function variants in AIPL1 are known to be pathogenic (PMID: 10615133, 15249368, 15347646). This variant is not present in population databases (ExAC no frequency). This variant has not been reported in the literature in individuals with AIPL1-related conditions. For these reasons, this variant has been classified as Pathogenic.

Literature cited by the submitters: PubMed 10615133; PubMed 15249368; PubMed 15347646.